The following is an entry in ClinVar:

ClinVar aggregate classification (germline): Pathogenic (1 of 4 stars; one submission).

Conditions:
Sandhoff disease. Also called: HEXOSAMINIDASES A AND B DEFICIENCY; Beta-hexosaminidase-beta-subunit deficiency; GM2 gangliosidosis, type 2; Total hexosaminidase deficiency; Sandhoff-Jatzkewitz-Pilz disease; GM2-GANGLIOSIDOSIS, TYPE II. Identifiers: Orphanet 796, MedGen C0036161, MONDO:0010006, OMIM 268800.

Submission:

Myriad Genetics, Inc.
Classification: Pathogenic for Sandhoff disease. Last evaluated: 2023-12-26. Review status: criteria provided, single submitter. Criteria: Myriad Autosomal Dominant, Autosomal Recessive and X-Linked Classification Criteria (2023). Collection method: clinical testing. Allele origin: unknown.
Comment: NM_000521.3(HEXB):c.1429C>T(Q477*) is expected to be pathogenic in the context of Sandhoff disease. This variant is predicted to lead to an abnormal or absent protein product due to the creation of a premature termination codon in HEXB, a gene where loss-of-function variants are known to be pathogenic. Please note: this variant was assessed in the context of healthy population screening.

NM_000521.4(HEXB):c.1429C>T (p.Gln477Ter)

Gene: HEXB (hexosaminidase subunit beta; plus strand). Cytogenetic location: 5q13.3.
Variant type: single nucleotide variant.
Coding change: c.1429C>T on transcript NM_000521.4 (MANE Select); coding-DNA position 1429, C replaced by T.
Protein change: p.Gln477Ter; replaces glutamine 477 with a stop codon.
Molecular consequence: nonsense.
Genome position (GRCh38, 1-based): chr5:74,720,439, C>T. VCF-style: chr5-74720439-C-T. GRCh37 (hg19) VCF-style: chr5-74016264-C-T.
Other names: c.754C>T, p.Gln252Ter (NM_001292004.2); short protein forms Q252*, Q477*.
Identifiers: ClinVar variation 5012609 (VCV005012609.1).